The following is an entry in ClinVar:

NM_001123385.2(BCOR):c.2288G>T (p.Arg763Leu)

Gene: BCOR (BCL6 corepressor; minus strand). Cytogenetic location: Xp11.4.
Variant type: single nucleotide variant.
Coding change: c.2288G>T on transcript NM_001123385.2 (MANE Select); coding-DNA position 2288, G replaced by T.
Protein change: p.Arg763Leu; replaces arginine 763 with leucine.
Molecular consequence: missense variant.
Genome position (GRCh38, 1-based): chrX:40,073,058, C>A on the plus strand (G>T on the coding strand, the complement: BCOR is on the minus strand). VCF-style: chrX-40073058-C-A. GRCh37 (hg19) VCF-style: chrX-39932311-C-A.
Other names: c.2288G>T, p.Arg763Leu (NM_001123383.2, NM_001123384.2, NM_017745.6); short protein forms R763L.
Identifiers: ClinVar variation 696688 (VCV000696688.14), dbSNP rs139011455, ClinGen allele CA10386809.

ClinVar aggregate classification (germline): Benign/Likely benign. Review status: criteria provided, multiple submitters, no conflicts (2 of 4 stars). 3 submissions from 3 submitters: Benign (1); Likely benign (1). 1 of the submissions does not count toward it. Last evaluated 2025-08-16.

Conditions:
Oculofaciocardiodental syndrome (MCOPS2). Identifiers: Orphanet 2712, MedGen C1846265, MONDO:0010261, OMIM 300166.
BCOR-related disorder. Also called: BCOR-related disorders; BCOR-related condition.

Allele frequency attached by ClinVar (database versions not stated): ESP Exome Variant Server 0.00038; TOPMed 0.00051; 1000 Genomes Project 0.00079; 1000 Genomes Project 30x 0.00083.
gnomAD v4.1: 149 of 1,210,444 alleles (0.012%); highest among the groups gnomAD compares: African/African-American, 0.24%; no homozygotes.

Submissions (3):

Labcorp Genetics (formerly Invitae), Labcorp
Classification: Benign for Oculofaciocardiodental syndrome. Last evaluated: 2025-08-16. Review status: criteria provided, single submitter. Criteria: Invitae Variant Classification Sherloc (09022015). Collection method: clinical testing. Allele origin: germline.

Blueprint Genetics
Classification: Likely benign. Last evaluated: 2024-03-11. Review status: criteria provided, single submitter. Criteria: ACMG Guidelines, 2015. Collection method: clinical testing. Allele origin: germline.

PreventionGenetics, part of Exact Sciences
Classification: Likely benign for BCOR-related condition. Last evaluated: 2019-11-26. Review status: no assertion criteria provided. Collection method: clinical testing. Allele origin: germline. Not counted in ClinVar's aggregate classification.
Comment: This variant is classified as likely benign based on ACMG/AMP sequence variant interpretation guidelines (Richards et al. 2015 PMID: 25741868, with internal and published modifications).